The following is an entry in ClinVar:

ClinVar aggregate classification (germline): Uncertain significance. Review status: criteria provided, multiple submitters, no conflicts (2 of 4 stars). 2 submissions from 2 submitters: Uncertain significance (2). Last evaluated 2024-07-02.

Conditions:
Inborn genetic diseases. Identifiers: MedGen C0950123, MeSH D030342.

Submissions (2):

Ambry Genetics
Classification: Uncertain significance for Inborn genetic diseases. Last evaluated: 2024-07-02. Review status: criteria provided, single submitter. Criteria: Ambry Variant Classification Scheme 2023. Collection method: clinical testing. Allele origin: germline.

GeneDx
Classification: Uncertain significance. Last evaluated: 2023-01-10. Review status: criteria provided, single submitter. Criteria: GeneDx Variant Classification Process June 2021. Collection method: clinical testing. Allele origin: germline. Affected: yes.
Comment: Not observed at significant frequency in large population cohorts (gnomAD); In silico analysis supports that this missense variant does not alter protein structure/function; Has not been previously published as pathogenic or benign to our knowledge

NM_014704.4(CEP104):c.1078G>A (p.Asp360Asn)

Gene: CEP104 (centrosomal protein 104; minus strand). Cytogenetic location: 1p36.32.
Variant type: single nucleotide variant.
Coding change: c.1078G>A on transcript NM_014704.4 (MANE Select); coding-DNA position 1078, G replaced by A.
Protein change: p.Asp360Asn; replaces aspartic acid 360 with asparagine.
Molecular consequence: missense variant.
Genome position (GRCh38, 1-based): chr1:3,837,333, C>T on the plus strand (G>A on the coding strand, the complement: CEP104 is on the minus strand). VCF-style: chr1-3837333-C-T. GRCh37 (hg19) VCF-style: chr1-3753897-C-T.
Other names: short protein forms D360N.
Identifiers: ClinVar variation 2571969 (VCV002571969.2), dbSNP rs138041564, ClinGen allele CA551741.